The following is an entry in ClinVar:

NM_001042681.2(RERE):c.2773A>G (p.Met925Val)

Gene: RERE (arginine-glutamic acid dipeptide repeats; minus strand). Cytogenetic location: 1p36.23.
Variant type: single nucleotide variant.
Coding change: c.2773A>G on transcript NM_001042681.2 (MANE Select); coding-DNA position 2773, A replaced by G.
Protein change: p.Met925Val; replaces methionine 925 with valine.
Molecular consequence: missense variant.
Genome position (GRCh38, 1-based): chr1:8,360,734, T>C on the plus strand (A>G on the coding strand, the complement: RERE is on the minus strand). VCF-style: chr1-8360734-T-C. GRCh37 (hg19) VCF-style: chr1-8420794-T-C.
Other names: c.1111A>G, p.Met371Val (NM_001042682.2); c.2773A>G, p.Met925Val (NM_012102.4); short protein forms M371V, M925V.
Identifiers: ClinVar variation 720247 (VCV000720247.31), dbSNP rs148082830, ClinGen allele CA571310.

ClinVar aggregate classification (germline): Likely benign. Review status: criteria provided, multiple submitters, no conflicts (2 of 4 stars). 3 submissions from 3 submitters: Likely benign (2). 1 of the submissions does not count toward it. Last evaluated 2023-05-01.

Conditions:
RERE-related disorder. Also called: RERE-Related Disorders; RERE-related condition. Identifiers: MedGen CN381537.

Allele frequency attached by ClinVar (database versions not stated): gnomAD exomes 0.00013; ESP Exome Variant Server 0.00093; gnomAD 0.00115 and 0.00118; TOPMed 0.00134; 1000 Genomes Project 0.00180; 1000 Genomes Project 30x 0.00187.
gnomAD v4.1: 375 of 1,594,800 alleles (0.024%); highest among the groups gnomAD compares: African/African-American, 0.41%; 3 homozygotes.

Submissions (3):

CeGaT Center for Human Genetics Tuebingen
Classification: Likely benign. Last evaluated: 2023-05-01. Review status: criteria provided, single submitter. Criteria: CeGaT Center For Human Genetics Tuebingen Variant Classification Criteria Version 2. Collection method: clinical testing. Allele origin: germline. Affected: yes. Observed: 1 variant allele.
Comment: RERE: BS1

Labcorp Genetics (formerly Invitae), Labcorp
Classification: Likely benign. Last evaluated: 2017-09-06. Review status: criteria provided, single submitter. Criteria: Invitae Variant Classification Sherloc (09022015). Collection method: clinical testing. Allele origin: germline.

PreventionGenetics, part of Exact Sciences
Classification: Likely benign for RERE-related condition. Last evaluated: 2024-01-03. Review status: no assertion criteria provided. Collection method: clinical testing. Allele origin: germline. Not counted in ClinVar's aggregate classification.
Comment: This variant is classified as likely benign based on ACMG/AMP sequence variant interpretation guidelines (Richards et al. 2015 PMID: 25741868, with internal and published modifications).